The following is an entry in ClinVar:

NM_001048174.2(MUTYH):c.1524C>G (p.His508Gln)

Gene: MUTYH (mutY DNA glycosylase; minus strand). Cytogenetic location: 1p34.1.
Variant type: single nucleotide variant.
Coding change: c.1524C>G on transcript NM_001048174.2 (MANE Select); coding-DNA position 1524, C replaced by G.
Protein change: p.His508Gln; replaces histidine 508 with glutamine.
Molecular consequence: missense variant. On other transcripts: non-coding transcript variant (7).
Genome position (GRCh38, 1-based): chr1:45,329,348, G>C on the plus strand (C>G on the coding strand, the complement: MUTYH is on the minus strand). VCF-style: chr1-45329348-G-C. GRCh37 (hg19) VCF-style: chr1-45795020-G-C.
Other names: c.1524C>G, p.His508Gln (NM_001048171.2, NM_001048173.2, NM_001407081.1 and 6 more transcripts); c.1527C>G, p.His509Gln (NM_001048172.2, NM_001407078.1, NM_001407086.1 and 1 more transcripts); c.1608C>G, p.His536Gln (NM_001128425.2); c.1569C>G, p.His523Gln (NM_001293190.2); c.1557C>G, p.His519Gln (NM_001293191.2, NM_001407077.1, NM_001407069.1); c.1248C>G, p.His416Gln (NM_001293192.2, NM_001293196.2, NM_001407091.1); c.1485C>G, p.His495Gln (NM_001407079.1); c.1482C>G, p.His494Gln (NM_001407080.1); and 5 more; short protein forms H393Q, H509Q, H522Q, H519Q, H536Q, H495Q, H523Q, H533Q.
Identifiers: ClinVar variation 4113435 (VCV004113435.1).
Genomic context (GRCh38, chr1:45,329,348, plus strand): 5'-TGGGGGCTTTCAGAGGTGTCACTGGGCTGCACTGTTGAGGCTGTGTGCATCAGTGGAGAT[G>C]TGAGACCGAAAGAAATTATCCAGGACTTGCTGGCCCATGCGGGGCTTTTTCCGACTGCAC-3'
Protein context (NP_001041639.1, residues 498-518): QQVLDNFFRS[His508Gln]ISTDAHSLNS

ClinVar aggregate classification (germline): Uncertain significance (1 of 4 stars; one submission).

Conditions:
Hereditary cancer-predisposing syndrome. Also called: Tumor predisposition; Neoplastic Syndromes, Hereditary; Hereditary neoplastic syndrome; Hereditary Cancer Syndrome. Identifiers: Orphanet 140162, MedGen C0027672, MeSH D009386, MONDO:0015356.

Submission:

Ambry Genetics
Classification: Uncertain significance for Hereditary cancer-predisposing syndrome. Last evaluated: 2025-08-27. Review status: criteria provided, single submitter. Criteria: Ambry Variant Classification Scheme 2023. Collection method: clinical testing. Allele origin: germline.
Comment: The p.H536Q variant (also known as c.1608C>G), located in coding exon 16 of the MUTYH gene, results from a C to G substitution at nucleotide position 1608. The histidine at codon 536 is replaced by glutamine, an amino acid with highly similar properties. This amino acid position is conserved. In addition, this alteration is predicted to be tolerated by in silico analysis. Based on the available evidence, the clinical significance of this variant remains unclear.